The following is an entry in ClinVar:

ClinVar aggregate classification (germline): Uncertain significance (1 of 4 stars; one submission).

Submission:

Labcorp Genetics (formerly Invitae), Labcorp
Classification: Uncertain significance. Last evaluated: 2022-08-22. Review status: criteria provided, single submitter. Criteria: Invitae Variant Classification Sherloc (09022015). Collection method: clinical testing. Allele origin: germline.
Comment: This variant, c.960_1001del, results in the deletion of 14 amino acid(s) of the PRKCSH protein (p.Glu320_Glu333del), but otherwise preserves the integrity of the reading frame. This variant is not present in population databases (gnomAD no frequency). This variant has not been reported in the literature in individuals affected with PRKCSH-related conditions. Experimental studies and prediction algorithms are not available or were not evaluated, and the functional significance of this variant is currently unknown. In summary, the available evidence is currently insufficient to determine the role of this variant in disease. Therefore, it has been classified as a Variant of Uncertain Significance.

NM_001289104.2(PRKCSH):c.960_1001del (p.Glu320_Glu333del)

Gene: PRKCSH (PRKCSH beta subunit of glucosidase II; plus strand). Cytogenetic location: 19p13.2.
Variant type: Deletion.
Coding change: c.960_1001del on transcript NM_001289104.2 (MANE Select); coding-DNA positions 960 to 1001, 42 bases deleted.
Protein change: p.Glu320_Glu333del.
Molecular consequence: inframe deletion.
Genome position (GRCh38, 1-based): chr19:11,447,549-11,447,590, 42 bases deleted; deleting any 42 consecutive bases within chr19:11,447,532-11,447,590 gives the same sequence; the c. name uses the placement nearest the transcript's 3' end. GRCh37 (hg19): chr19:11,558,364-11,558,405.
Other names: c.960_1001del, p.Glu320_Glu333del (NM_001001329.3, NM_001289102.2, NM_001289103.2 and 3 more transcripts).
Identifiers: ClinVar variation 2000522 (VCV002000522.4), dbSNP rs2512536861, ClinGen allele CA2580096631.